The following is an entry in ClinVar:

ClinVar aggregate classification (germline): Uncertain significance. Review status: criteria provided, multiple submitters, no conflicts (2 of 4 stars). 4 submissions from 4 submitters: Uncertain significance (3). 1 of the submissions does not count toward it. Last evaluated 2024-10-02.

Conditions:
Retinal dystrophy. Also called: Inherited retinal dystrophy. Identifiers: Orphanet 71862, MedGen C0854723, MeSH D058499, MONDO:0019118, HP:0000556.
Cone-rod dystrophy 6 (CORD6). Also called: Cone dystrophy progressive; RETINAL CONE DYSTROPHY 2. Identifiers: Orphanet 1872, MedGen C1866293, MONDO:0011143, OMIM 601777.
Leber congenital amaurosis 1 (LCA1). Also called: Congenital absence of the rods and cones; Leber's congenital tapetoretinal degeneration; Leber's congenital tapetoretinal dysplasia; AMAUROSIS CONGENITA OF LEBER I; RETINAL BLINDNESS, CONGENITAL. Identifiers: Orphanet 65, MedGen C2931258, MONDO:0008764, OMIM 204000.

Allele frequency attached by ClinVar (database versions not stated): gnomAD 0.00003 and 0.00004; TOPMed 0.00003; 1000 Genomes Project 30x 0.00016; 1000 Genomes Project 0.00020.
gnomAD v4.1: 60 of 1,391,990 alleles (0.0043%); highest among the groups gnomAD compares: South Asian, 0.008%; no homozygotes.

Submissions (4):

Blueprint Genetics
Classification: Uncertain significance. Last evaluated: 2024-10-02. Review status: criteria provided, single submitter. Criteria: ACMG Guidelines, 2015. Collection method: clinical testing. Allele origin: germline.

Labcorp Genetics (formerly Invitae), Labcorp
Classification: Uncertain significance for Leber congenital amaurosis 1; Cone-rod dystrophy 6. Last evaluated: 2024-01-25. Review status: criteria provided, single submitter. Criteria: Invitae Variant Classification Sherloc (09022015). Collection method: clinical testing. Allele origin: germline.
Comment: This sequence change replaces arginine, which is basic and polar, with tryptophan, which is neutral and slightly polar, at codon 851 of the GUCY2D protein (p.Arg851Trp). This variant is present in population databases (rs571236000, gnomAD 0.01%). This variant has not been reported in the literature in individuals affected with GUCY2D-related conditions. ClinVar contains an entry for this variant (Variation ID: 1058785). Advanced modeling of protein sequence and biophysical properties (such as structural, functional, and spatial information, amino acid conservation, physicochemical variation, residue mobility, and thermodynamic stability) performed at Invitae indicates that this missense variant is not expected to disrupt GUCY2D protein function with a negative predictive value of 80%. In summary, the available evidence is currently insufficient to determine the role of this variant in disease. Therefore, it has been classified as a Variant of Uncertain Significance.

CeGaT Center for Human Genetics Tuebingen
Classification: Uncertain significance. Last evaluated: 2024-01-01. Review status: criteria provided, single submitter. Criteria: CeGaT Center For Human Genetics Tuebingen Variant Classification Criteria Version 2. Collection method: clinical testing. Allele origin: germline. Affected: yes. Observed: 1 variant allele.
Comment: GUCY2D: PM2

Institute of Human Genetics, Univ. Regensburg, Univ. Regensburg
Classification: Uncertain significance for Retinal dystrophy. Last evaluated: 2023-01-01. Review status: no assertion criteria provided. Criteria: ACMG Guidelines, 2015. Collection method: clinical testing. Allele origin: germline. Affected: yes. Not counted in ClinVar's aggregate classification.

NM_000180.4(GUCY2D):c.2551C>T (p.Arg851Trp)

Gene: GUCY2D (guanylate cyclase 2D, retinal; plus strand). Cytogenetic location: 17p13.1.
Variant type: single nucleotide variant.
Coding change: c.2551C>T on transcript NM_000180.4 (MANE Select); coding-DNA position 2551, C replaced by T.
Protein change: p.Arg851Trp; replaces arginine 851 with tryptophan.
Molecular consequence: missense variant.
Genome position (GRCh38, 1-based): chr17:8,014,739, C>T. VCF-style: chr17-8014739-C-T. GRCh37 (hg19) VCF-style: chr17-7918057-C-T.
Other names: short protein forms R851W.
Identifiers: ClinVar variation 1058785 (VCV001058785.30), dbSNP rs571236000, ClinGen allele CA8366153.
Genomic context (GRCh38, chr17:8,014,739, plus strand): 5'-CTGGAGGATCTGATCCGGGAGCGCACGGAGGAGCTGGAGCTGGAAAAGCAGAAGACAGAC[C>T]GGCTGCTTACACAGATGCTGCCTCCGTGGGTGCCAGTGGGAAGGGGTGGGCTGGGAGGGC-3'
Protein context (NP_000171.1, residues 841-861): ELELEKQKTD[Arg851Trp]LLTQMLPPSV